The following is an entry in ClinVar:

NM_000489.6(ATRX):c.1054A>T (p.Met352Leu)

Gene: ATRX (ATRX chromatin remodeler; minus strand). Cytogenetic location: Xq21.1.
Variant type: single nucleotide variant.
Coding change: c.1054A>T on transcript NM_000489.6 (MANE Select); coding-DNA position 1054, A replaced by T.
Protein change: p.Met352Leu; replaces methionine 352 with leucine.
Molecular consequence: missense variant.
Genome position (GRCh38, 1-based): chrX:77,684,202, T>A on the plus strand (A>T on the coding strand, the complement: ATRX is on the minus strand). VCF-style: chrX-77684202-T-A. GRCh37 (hg19) VCF-style: chrX-76939694-T-A.
Other names: c.940A>T, p.Met314Leu (NM_138270.5); short protein forms M314L, M352L.
Identifiers: ClinVar variation 3635001 (VCV003635001.2).
Genomic context (GRCh38, chrX:77,684,202, plus strand): 5'-TAACATAACTGGAGTTCATGTTGGCTGTGGTCTCAATCAGTTTTTTTGCCTTCTTAATCA[T>A]CTCTTTGGGCACAATTAGTGCGGAATAAGAGTAGGTTACAGAGCCAGAACAGGAATCATC-3'
Protein context (NP_000480.3, residues 342-362): SYSALIVPKE[Met352Leu]IKKAKKLIET

ClinVar aggregate classification (germline): Uncertain significance (1 of 4 stars; one submission).

Conditions:
Alpha thalassemia-X-linked intellectual disability syndrome (ATRX). Also called: ALPHA-THALASSEMIA/MENTAL RETARDATION SYNDROME, X-LINKED; ATR, NONDELETION TYPE; ATR-X syndrome; Alpha thalassemia mental retardation syndrome, nondeletion type, X-linked; XLMR hypotonic face syndrome; X-linked alpha-thalassemia-mental retardation syndrome. Identifiers: Orphanet 847, MedGen C1845055, MONDO:0010519, OMIM 301040.

Submission:

Labcorp Genetics (formerly Invitae), Labcorp
Classification: Uncertain significance for Alpha thalassemia-X-linked intellectual disability syndrome. Last evaluated: 2024-12-04. Review status: criteria provided, single submitter. Criteria: Invitae Variant Classification Sherloc (09022015). Collection method: clinical testing. Allele origin: germline.
Comment: This sequence change replaces methionine, which is neutral and non-polar, with leucine, which is neutral and non-polar, at codon 352 of the ATRX protein (p.Met352Leu). This variant is not present in population databases (gnomAD no frequency). This variant has not been reported in the literature in individuals affected with ATRX-related conditions. Invitae Evidence Modeling of protein sequence and biophysical properties (such as structural, functional, and spatial information, amino acid conservation, physicochemical variation, residue mobility, and thermodynamic stability) indicates that this missense variant is not expected to disrupt ATRX protein function with a negative predictive value of 95%. In summary, the available evidence is currently insufficient to determine the role of this variant in disease. Therefore, it has been classified as a Variant of Uncertain Significance.